The following is an entry in ClinVar:

ClinVar aggregate classification (germline): Uncertain significance (1 of 4 stars; one submission).

Allele frequency attached by ClinVar (database versions not stated): gnomAD exomes below 0.00001; TOPMed 0.00001.
gnomAD v4.1: 3 of 1,600,948 alleles (0.00019%); highest among the groups gnomAD compares: Non-Finnish European, 0.00026%; no homozygotes.

Submission:

Labcorp Genetics (formerly Invitae), Labcorp
Classification: Uncertain significance. Last evaluated: 2024-01-14. Review status: criteria provided, single submitter. Criteria: Invitae Variant Classification Sherloc (09022015). Collection method: clinical testing. Allele origin: germline.
Comment: This sequence change replaces cysteine, which is neutral and slightly polar, with tyrosine, which is neutral and polar, at codon 1959 of the DSCAML1 protein (p.Cys1959Tyr). This variant is not present in population databases (gnomAD no frequency). This variant has not been reported in the literature in individuals affected with DSCAML1-related conditions. An algorithm developed to predict the effect of missense changes on protein structure and function (PolyPhen-2) suggests that this variant is likely to be tolerated. In summary, the available evidence is currently insufficient to determine the role of this variant in disease. Therefore, it has been classified as a Variant of Uncertain Significance.

NM_020693.4(DSCAML1):c.5696G>A (p.Cys1899Tyr)

Gene: DSCAML1 (DS cell adhesion molecule like 1; minus strand). Cytogenetic location: 11q23.3.
Variant type: single nucleotide variant.
Coding change: c.5696G>A on transcript NM_020693.4 (MANE Select); coding-DNA position 5696, G replaced by A.
Protein change: p.Cys1899Tyr; replaces cysteine 1899 with tyrosine.
Molecular consequence: missense variant.
Genome position (GRCh38, 1-based): chr11:117,428,794, C>T on the plus strand (G>A on the coding strand, the complement: DSCAML1 is on the minus strand). VCF-style: chr11-117428794-C-T. GRCh37 (hg19) VCF-style: chr11-117299510-C-T.
Other names: short protein forms C1899Y.
Identifiers: ClinVar variation 2709397 (VCV002709397.3), dbSNP rs1314576952, ClinGen allele CA382751583.